The following is an entry in ClinVar:

NM_001330260.2(SCN8A):c.1890C>G (p.Phe630Leu)

Gene: SCN8A (sodium voltage-gated channel alpha subunit 8; plus strand). Cytogenetic location: 12q13.13.
Variant type: single nucleotide variant.
Coding change: c.1890C>G on transcript NM_001330260.2 (MANE Select); coding-DNA position 1890, C replaced by G.
Protein change: p.Phe630Leu; replaces phenylalanine 630 with leucine.
Molecular consequence: missense variant.
Genome position (GRCh38, 1-based): chr12:51,721,800, C>G. VCF-style: chr12-51721800-C-G. GRCh37 (hg19) VCF-style: chr12-52115584-C-G.
Other names: c.1890C>G, p.Phe630Leu (NM_001177984.3, NM_001369788.1, NM_014191.4); short protein forms F630L.
Identifiers: ClinVar variation 4721251 (VCV004721251.1).

ClinVar aggregate classification (germline): Uncertain significance (1 of 4 stars; one submission).

Conditions:
Early-infantile DEE. Also called: Early infantile epileptic encephalopathy with suppression bursts; Early infantile epileptic encephalopathy; Ohtahara syndrome. Identifiers: Orphanet 1934, MedGen C0393706, MONDO:0800491.

gnomAD v4.1: 2 of 1,609,460 alleles (0.00012%); highest among the groups gnomAD compares: Non-Finnish European, 0.00017%; no homozygotes.

Submission:

Labcorp Genetics (formerly Invitae), Labcorp
Classification: Uncertain significance for Early-infantile DEE. Last evaluated: 2025-06-10. Review status: criteria provided, single submitter. Criteria: Invitae Variant Classification Sherloc (09022015). Collection method: clinical testing. Allele origin: germline.
Comment: This sequence change replaces phenylalanine, which is neutral and non-polar, with leucine, which is neutral and non-polar, at codon 630 of the SCN8A protein (p.Phe630Leu). This variant is not present in population databases (gnomAD no frequency). This variant has not been reported in the literature in individuals affected with SCN8A-related conditions. Invitae Evidence Modeling of protein sequence and biophysical properties (such as structural, functional, and spatial information, amino acid conservation, physicochemical variation, residue mobility, and thermodynamic stability) indicates that this missense variant is not expected to disrupt SCN8A protein function with a negative predictive value of 95%. In summary, the available evidence is currently insufficient to determine the role of this variant in disease. Therefore, it has been classified as a Variant of Uncertain Significance.